The following is an entry in ClinVar:

NM_001375380.1(EBF3):c.292-2A>G

Gene: EBF3 (EBF transcription factor 3; minus strand). Cytogenetic location: 10q26.3.
Variant type: single nucleotide variant.
Coding change: c.292-2A>G on transcript NM_001375380.1 (MANE Select); the canonical splice acceptor site of the intron before coding-DNA position 292, A replaced by G.
Molecular consequence: splice acceptor variant.
Genome position (GRCh38, 1-based): chr10:129,963,007, T>C on the plus strand (A>G on the coding strand, the complement: EBF3 is on the minus strand). VCF-style: chr10-129963007-T-C. GRCh37 (hg19) VCF-style: chr10-131761271-T-C.
Other names: c.292-2A>G (NM_001375392.1, NM_001005463.3, NM_001375390.1 and 3 more transcripts).
Identifiers: ClinVar variation 1676934 (VCV001676934.2), dbSNP rs2134655291, ClinGen allele CA378911080.

ClinVar aggregate classification (germline): Pathogenic (1 of 4 stars; one submission).

Submission:

GeneDx
Classification: Pathogenic. Last evaluated: 2022-03-23. Review status: criteria provided, single submitter. Criteria: GeneDx Variant Classification Process June 2021. Collection method: clinical testing. Allele origin: germline. Affected: yes.
Comment: Canonical splice site variant predicted to result in a null allele in a gene for which loss of function is a known mechanism of disease; Not observed at significant frequency in large population cohorts (gnomAD); Has not been previously published as pathogenic or benign to our knowledge